The following is an entry in ClinVar:

ClinVar aggregate classification (germline): Pathogenic/Likely pathogenic. Review status: criteria provided, multiple submitters, no conflicts (2 of 4 stars). 2 submissions from 2 submitters: Pathogenic (1); Likely pathogenic (1). Last evaluated 2024-09-21.

Conditions:
Neurodevelopmental disorder with hypotonia, impaired speech, and behavioral abnormalities (NEDHISB). Also called: GNAI1-Related Neurodevelopmental Disorder. Identifiers: MedGen C5676975, MONDO:0859243, OMIM 619854.

Submissions (2):

Victorian Clinical Genetics Services, Murdoch Childrens Research Institute
Classification: Likely pathogenic for Neurodevelopmental disorder with hypotonia, impaired speech, and behavioral abnormalities. Last evaluated: 2024-09-21. Review status: criteria provided, single submitter. Criteria: ACMG Guidelines, 2015. Collection method: clinical testing. Allele origin: germline. Inheritance: Autosomal dominant inheritance. Affected: yes.
Comment: Based on the classification scheme VCGS_Germline_v1.3.4, this variant is classified as Likely Pathogenic. Following criteria are met: 0105 - The mechanism of disease for this gene is not clearly established. Loss of function is a suggested mechanism (PMID: 33473207). This gene is associated with neurodevelopmental disorder with hypotonia, impaired speech, and behavioural abnormalities (MIM#619854). (I) 0107 - This gene is associated with autosomal dominant disease. (I) 0115 - Variants in this gene are known to have variable expressivity. Interfamilial variability has been observed (PMID: 33473207). (I) 0200 - Variant is predicted to result in a missense amino acid change from aspartic acid to valine. (I) 0251 - This variant is heterozygous. (I) 0301 - Variant is absent from gnomAD (both v2 and v3). (SP) 0501 - Missense variant consistently predicted to be damaging by multiple in silico tools or highly conserved with a major amino acid change. (SP) 0600 - Variant is located in the annotated G-protein alpha subunit domain (DECIPHER). (I) 0705 - No comparable missense variants have previous evidence for pathogenicity. (SP) 0905 - No published segregation evidence has been identified for this variant. (I) 1007 - No published functional evidence has been identified for this variant. (SP) Legend: (SP) - Supporting pathogenic, (I) - Information, (SB) - Supporting benign

GeneDx
Classification: Pathogenic. Last evaluated: 2023-08-21. Review status: criteria provided, single submitter. Criteria: GeneDx Variant Classification Process June 2021. Collection method: clinical testing. Allele origin: germline. Affected: yes.
Comment: Not observed at significant frequency in large population cohorts (gnomAD); In silico analysis supports that this missense variant has a deleterious effect on protein structure/function; This variant is associated with the following publications: (PMID: 33473207)

Literature cited by the submitters: PubMed 33473207 (cited by Victorian Clinical Genetics Services, Murdoch Childrens Research Institute).

NM_002069.6(GNAI1):c.518A>T (p.Asp173Val)

Gene: GNAI1 (G protein subunit alpha i1; plus strand). Cytogenetic location: 7q21.11.
Variant type: single nucleotide variant.
Coding change: c.518A>T on transcript NM_002069.6 (MANE Select); coding-DNA position 518, A replaced by T.
Protein change: p.Asp173Val; replaces aspartic acid 173 with valine.
Molecular consequence: missense variant.
Genome position (GRCh38, 1-based): chr7:80,203,760, A>T. VCF-style: chr7-80203760-A-T. GRCh37 (hg19) VCF-style: chr7-79833076-A-T.
Other names: c.362A>T, p.Asp121Val (NM_001256414.2); short protein forms D121V, D173V.
Identifiers: ClinVar variation 1339601 (VCV001339601.6), dbSNP rs2115683966, ClinGen allele CA368012356.